The following is an entry in ClinVar:

NM_003803.4(MYOM1):c.4901A>G (p.Asn1634Ser)

Gene: MYOM1 (myomesin 1; minus strand). Cytogenetic location: 18p11.31.
Variant type: single nucleotide variant.
Coding change: c.4901A>G on transcript NM_003803.4 (MANE Select); coding-DNA position 4901, A replaced by G.
Protein change: p.Asn1634Ser; replaces asparagine 1634 with serine.
Molecular consequence: missense variant.
Genome position (GRCh38, 1-based): chr18:3,067,419, T>C on the plus strand (A>G on the coding strand, the complement: MYOM1 is on the minus strand). VCF-style: chr18-3067419-T-C. GRCh37 (hg19) VCF-style: chr18-3067417-T-C.
Other names: c.4613A>G, p.Asn1538Ser (NM_019856.2); short protein forms N1538S, N1634S.
Identifiers: ClinVar variation 3654315 (VCV003654315.2).

ClinVar aggregate classification (germline): Uncertain significance (1 of 4 stars; one submission).

Conditions:
Hypertrophic cardiomyopathy. Also called: HYPERTROPHIC MYOCARDIOPATHY. Identifiers: Orphanet 217569, MedGen C0007194, MeSH D002312, MONDO:0005045, HP:0001639.

Submission:

Labcorp Genetics (formerly Invitae), Labcorp
Classification: Uncertain significance for Hypertrophic cardiomyopathy. Last evaluated: 2024-05-23. Review status: criteria provided, single submitter. Criteria: Invitae Variant Classification Sherloc (09022015). Collection method: clinical testing. Allele origin: germline.
Comment: This sequence change replaces asparagine, which is neutral and polar, with serine, which is neutral and polar, at codon 1634 of the MYOM1 protein (p.Asn1634Ser). This variant is not present in population databases (gnomAD no frequency). This variant has not been reported in the literature in individuals affected with MYOM1-related conditions. Advanced modeling of protein sequence and biophysical properties (such as structural, functional, and spatial information, amino acid conservation, physicochemical variation, residue mobility, and thermodynamic stability) performed at Invitae indicates that this missense variant is not expected to disrupt MYOM1 protein function with a negative predictive value of 80%. In summary, the available evidence is currently insufficient to determine the role of this variant in disease. Therefore, it has been classified as a Variant of Uncertain Significance.